The following is an entry in ClinVar:

NM_005529.7(HSPG2):c.5434G>A (p.Gly1812Arg)

Gene: HSPG2 (heparan sulfate proteoglycan 2; minus strand). Cytogenetic location: 1p36.12.
Variant type: single nucleotide variant.
Coding change: c.5434G>A on transcript NM_005529.7 (MANE Select); coding-DNA position 5434, G replaced by A.
Protein change: p.Gly1812Arg; replaces glycine 1812 with arginine.
Molecular consequence: missense variant.
Genome position (GRCh38, 1-based): chr1:21,857,156, C>T on the plus strand (G>A on the coding strand, the complement: HSPG2 is on the minus strand). VCF-style: chr1-21857156-C-T. GRCh37 (hg19) VCF-style: chr1-22183649-C-T.
Other names: c.5437G>A, p.Gly1813Arg (NM_001291860.2); c.5434G>A (NM_005529.5); short protein forms G1812R, G1813R.
Identifiers: ClinVar variation 2432585 (VCV002432585.7), dbSNP rs775442845, ClinGen allele CA671926.

ClinVar aggregate classification (germline): Uncertain significance. Review status: criteria provided, multiple submitters, no conflicts (2 of 4 stars). 4 submissions from 4 submitters: Uncertain significance (4). Last evaluated 2026-01-17.

Conditions:
Inborn genetic diseases. Identifiers: MedGen C0950123, MeSH D030342.

Allele frequency attached by ClinVar (database versions not stated): gnomAD exomes 0.00001; ExAC 0.00004; TOPMed 0.00008; gnomAD 0.00007.
gnomAD v4.1: 26 of 1,613,970 alleles (0.0016%); highest among the groups gnomAD compares: Middle Eastern, 0.016%; no homozygotes.

Submissions (4):

Labcorp Genetics (formerly Invitae), Labcorp
Classification: Uncertain significance. Last evaluated: 2026-01-17. Review status: criteria provided, single submitter. Criteria: Invitae Variant Classification Sherloc (09022015). Collection method: clinical testing. Allele origin: germline.
Comment: This sequence change replaces glycine, which is neutral and non-polar, with arginine, which is basic and polar, at codon 1812 of the HSPG2 protein (p.Gly1812Arg). This variant is present in population databases (rs775442845, gnomAD 0.02%). This variant has not been reported in the literature in individuals affected with HSPG2-related conditions. ClinVar contains an entry for this variant (Variation ID: 2432585). An algorithm developed to predict the effect of missense changes on protein structure and function (PolyPhen-2) suggests that this variant is likely to be tolerated. In summary, the available evidence is currently insufficient to determine the role of this variant in disease. Therefore, it has been classified as a Variant of Uncertain Significance.

GeneDx
Classification: Uncertain significance. Last evaluated: 2025-08-14. Review status: criteria provided, single submitter. Criteria: GeneDx Variant Classification Process June 2021. Collection method: clinical testing. Allele origin: germline. Affected: yes.
Comment: In silico analysis supports that this missense variant has a deleterious effect on protein structure/function; Has not been previously published as pathogenic or benign to our knowledge

Ambry Genetics
Classification: Uncertain significance for Inborn genetic diseases. Last evaluated: 2023-11-13. Review status: criteria provided, single submitter. Criteria: Ambry Variant Classification Scheme 2023. Collection method: clinical testing. Allele origin: germline.

Revvity Omics, Revvity
Classification: Uncertain significance. Last evaluated: 2020-03-11. Review status: criteria provided, single submitter. Criteria: ACMG Guidelines, 2015. Collection method: clinical testing. Allele origin: germline.